The following is an entry in ClinVar:

NM_004082.5(DCTN1):c.2730_2731dup (p.Glu911fs)

Gene: DCTN1 (dynactin subunit 1; minus strand). Cytogenetic location: 2p13.1.
Variant type: Duplication.
Coding change: c.2730_2731dup on transcript NM_004082.5 (MANE Select); coding-DNA positions 2730 to 2731, 2 bases duplicated (GG; older notation c.2730_2731dupGG).
Protein change: p.Glu911fs; shifts the reading frame from glutamic acid 911.
Molecular consequence: frameshift variant. On other transcripts: non-coding transcript variant (1).
Genome position (GRCh38, 1-based): chr2:74,366,273-74,366,274, CC duplicated on the plus strand (GG on the coding strand, the reverse complement: DCTN1 is on the minus strand); duplicating any 2 consecutive bases within chr2:74,366,273-74,366,277 gives the same sequence; the c. name uses the placement nearest the transcript's 3' end. VCF-style (leftmost placement, unchanged base first): chr2-74366272-T-TCC. GRCh37 (hg19) VCF-style: chr2-74593399-T-TCC.
Other names: c.2670_2671dup, p.Glu891fs (NM_001135040.3); c.2328_2329dup, p.Glu777fs (NM_001135041.3, NM_023019.4); c.2619_2620dup, p.Glu874fs (NM_001190836.2); c.2709_2710dup, p.Glu904fs (NM_001190837.2); c.2679_2680dup, p.Glu894fs (NM_001378991.1); c.2661_2662dup, p.Glu888fs (NM_001378992.1); short protein forms E888fs, E911fs, E777fs, E894fs, E904fs, E874fs, E891fs.
Identifiers: ClinVar variation 4782334 (VCV004782334.1).
Genomic context (GRCh38, chr2:74,366,272, plus strand): 5'-TCTGCAACTTCTCCAAGGAAATCTCCACCTACCTTGCTGGGGGGCCGCTCTGCATCATAC[T>TCC]CCCCCTCCTGCATGGCTGTGGCCAGCTTGTTCATGGTACTGATGAGGATGTTGCATGACT-3'

ClinVar aggregate classification (germline): Uncertain significance (1 of 4 stars; one submission).

Conditions:
Amyotrophic lateral sclerosis type 1 (ALS1). Also called: AMYOTROPHIC LATERAL SCLEROSIS 1, FAMILIAL. Identifiers: Orphanet 803, MedGen C1862939, MONDO:0007103, OMIM 105400.
Neuronopathy, distal hereditary motor, type 7B. Also called: NEURONOPATHY, DISTAL HEREDITARY MOTOR, AUTOSOMAL DOMINANT 14; NEURONOPATHY, DISTAL HEREDITARY MOTOR, HARDING TYPE VIIB; NEUROPATHY, DISTAL HEREDITARY MOTOR, HARDING TYPE VIIB; NEUROPATHY, DISTAL HEREDITARY MOTOR, WITH VOCAL CORD PARALYSIS, HARDING TYPE VIIB; Distal Hereditary Motor Neuronopathy Type 7B (dHMN7B); HMN VIIB. Identifiers: Orphanet 139589, MedGen C1843315, MONDO:0011879, OMIM 607641.
Perry syndrome. Also called: PARKINSONISM WITH ALVEOLAR HYPOVENTILATION AND MENTAL DEPRESSION. Identifiers: Orphanet 178509, MedGen C1868594, MONDO:0008201, OMIM 168605.

Submission:

Labcorp Genetics (formerly Invitae), Labcorp
Classification: Uncertain significance for Amyotrophic lateral sclerosis type 1; Neuronopathy, distal hereditary motor, type 7B; Perry syndrome. Last evaluated: 2025-03-03. Review status: criteria provided, single submitter. Criteria: Invitae Variant Classification Sherloc (09022015). Collection method: clinical testing. Allele origin: germline.
Comment: This sequence change creates a premature translational stop signal (p.Glu911Glyfs*34) in the DCTN1 gene. It is expected to result in an absent or disrupted protein product. However, the current clinical and genetic evidence is not sufficient to establish whether loss-of-function variants in DCTN1 cause disease. This variant is not present in population databases (gnomAD no frequency). This premature translational stop signal has been observed in individual(s) with DCTN1-related conditions (internal data). In summary, the available evidence is currently insufficient to determine the role of this variant in disease. Therefore, it has been classified as a Variant of Uncertain Significance.